The following is an entry in ClinVar:

NM_016341.4(PLCE1):c.3335A>G (p.His1112Arg)

Gene: PLCE1 (phospholipase C epsilon 1; plus strand). Cytogenetic location: 10q23.33.
Variant type: single nucleotide variant.
Coding change: c.3335A>G on transcript NM_016341.4 (MANE Select); coding-DNA position 3335, A replaced by G.
Protein change: p.His1112Arg; replaces histidine 1112 with arginine.
Molecular consequence: missense variant.
Genome position (GRCh38, 1-based): chr10:94,254,245, A>G. VCF-style: chr10-94254245-A-G. GRCh37 (hg19) VCF-style: chr10-96014002-A-G.
Other names: c.2411A>G, p.His804Arg (NM_001165979.2); c.3335A>G, p.His1112Arg (NM_001288989.2); short protein forms H804R, H1112R.
Identifiers: ClinVar variation 879357 (VCV000879357.12), dbSNP rs775231257, ClinGen allele CA5612846.

ClinVar aggregate classification (germline): Uncertain significance. Review status: criteria provided, multiple submitters, no conflicts (2 of 4 stars). 4 submissions from 4 submitters: Uncertain significance (4). Last evaluated 2025-10-22.

Conditions:
Inborn genetic diseases. Identifiers: MedGen C0950123, MeSH D030342.
Nephrotic syndrome, type 3 (NPHS3). Also called: NEPHROTIC SYNDROME, EARLY-ONSET, TYPE 3. Identifiers: Orphanet 656, MedGen C1853124, MONDO:0012546, OMIM 610725.

Allele frequency attached by ClinVar (database versions not stated): ExAC 0.00003; gnomAD exomes 0.00005 and 0.00013; gnomAD 0.00009 and 0.00010; TOPMed 0.00019.
gnomAD v4.1: 210 of 1,614,044 alleles (0.013%); highest among the groups gnomAD compares: Admixed American, 0.02%; no homozygotes.

Submissions (4):

Ambry Genetics
Classification: Uncertain significance for Inborn genetic diseases. Last evaluated: 2025-10-22. Review status: criteria provided, single submitter. Criteria: Ambry Variant Classification Scheme 2023. Collection method: clinical testing. Allele origin: germline.

Labcorp Genetics (formerly Invitae), Labcorp
Classification: Uncertain significance. Last evaluated: 2025-10-14. Review status: criteria provided, single submitter. Criteria: Invitae Variant Classification Sherloc (09022015). Collection method: clinical testing. Allele origin: germline.
Comment: This sequence change replaces histidine, which is basic and polar, with arginine, which is basic and polar, at codon 1112 of the PLCE1 protein (p.His1112Arg). This variant is present in population databases (rs775231257, gnomAD 0.009%). This variant has not been reported in the literature in individuals affected with PLCE1-related conditions. ClinVar contains an entry for this variant (Variation ID: 879357). Invitae Evidence Modeling of protein sequence and biophysical properties (such as structural, functional, and spatial information, amino acid conservation, physicochemical variation, residue mobility, and thermodynamic stability) indicates that this missense variant is not expected to disrupt PLCE1 protein function with a negative predictive value of 80%. In summary, the available evidence is currently insufficient to determine the role of this variant in disease. Therefore, it has been classified as a Variant of Uncertain Significance.

Fulgent Genetics
Classification: Uncertain significance for Nephrotic syndrome, type 3. Last evaluated: 2021-12-28. Review status: criteria provided, single submitter. Criteria: ACMG Guidelines, 2015. Collection method: clinical testing. Allele origin: unknown.

Illumina Laboratory Services, Illumina
Classification: Uncertain significance for Nephrotic syndrome, type 3. Last evaluated: 2018-01-13. Review status: criteria provided, single submitter. Criteria: ICSL Variant Classification Criteria 13 December 2019. Collection method: clinical testing. Allele origin: germline.